The following is an entry in ClinVar:

ClinVar aggregate classification (germline): Likely benign (1 of 4 stars; one submission).

Allele frequency attached by ClinVar (database versions not stated): gnomAD exomes 0.00001; gnomAD 0.00003; TOPMed 0.00003.
gnomAD v4.1: 21 of 1,614,056 alleles (0.0013%); highest among the groups gnomAD compares: Middle Eastern, 0.033%; no homozygotes.

Submission:

CeGaT Center for Human Genetics Tuebingen
Classification: Likely benign. Last evaluated: 2022-08-01. Review status: criteria provided, single submitter. Criteria: CeGaT Center For Human Genetics Tuebingen Variant Classification Criteria Version 2. Collection method: clinical testing. Allele origin: germline. Affected: yes. Observed: 1 variant allele.
Comment: LRRC75A: BP4, BP7

NM_001113567.3(LRRC75A):c.330C>T (p.His110=)

Genes: LRRC75A (leucine rich repeat containing 75A; minus strand), SNHG29 (small nucleolar RNA host gene 29; plus strand). Cytogenetic location: 17p11.2.
Variant type: single nucleotide variant.
Coding change: c.330C>T on transcript NM_001113567.3 (MANE Select); coding-DNA position 330, C replaced by T.
Protein change: p.His110=; no amino-acid change (histidine 110 retained).
Molecular consequence: synonymous variant.
Genome position (GRCh38, 1-based): chr17:16,462,303, G>A on the plus strand (C>T on the coding strand, the complement: LRRC75A is on the minus strand). VCF-style: chr17-16462303-G-A. GRCh37 (hg19) VCF-style: chr17-16365617-G-A.
Other names: c.330C>T, p.His110= (NM_207387.4).
Identifiers: ClinVar variation 2647507 (VCV002647507.24), dbSNP rs923907775, ClinGen allele CA288243686.